The following is an entry in ClinVar:

ClinVar aggregate classification (germline): Uncertain significance (1 of 4 stars; one submission).

Conditions:
Amyotrophic lateral sclerosis type 1 (ALS1). Also called: AMYOTROPHIC LATERAL SCLEROSIS 1, FAMILIAL. Identifiers: Orphanet 803, MedGen C1862939, MONDO:0007103, OMIM 105400.
Neuronopathy, distal hereditary motor, type 7B. Also called: NEURONOPATHY, DISTAL HEREDITARY MOTOR, AUTOSOMAL DOMINANT 14; NEURONOPATHY, DISTAL HEREDITARY MOTOR, HARDING TYPE VIIB; NEUROPATHY, DISTAL HEREDITARY MOTOR, HARDING TYPE VIIB; NEUROPATHY, DISTAL HEREDITARY MOTOR, WITH VOCAL CORD PARALYSIS, HARDING TYPE VIIB; Distal Hereditary Motor Neuronopathy Type 7B (dHMN7B); HMN VIIB. Identifiers: Orphanet 139589, MedGen C1843315, MONDO:0011879, OMIM 607641.
Perry syndrome. Also called: PARKINSONISM WITH ALVEOLAR HYPOVENTILATION AND MENTAL DEPRESSION. Identifiers: Orphanet 178509, MedGen C1868594, MONDO:0008201, OMIM 168605.

Allele frequency attached by ClinVar (database versions not stated): gnomAD 0.00001; TOPMed 0.00001.
gnomAD v4.1: 2 of 1,607,716 alleles (0.00012%); highest among the groups gnomAD compares: African/African-American, 0.0027%; no homozygotes.

Submission:

Labcorp Genetics (formerly Invitae), Labcorp
Classification: Uncertain significance for Amyotrophic lateral sclerosis type 1; Neuronopathy, distal hereditary motor, type 7B; Perry syndrome. Last evaluated: 2023-08-04. Review status: criteria provided, single submitter. Criteria: Invitae Variant Classification Sherloc (09022015). Collection method: clinical testing. Allele origin: germline.
Comment: In summary, the available evidence is currently insufficient to determine the role of this variant in disease. Therefore, it has been classified as a Variant of Uncertain Significance. Advanced modeling of protein sequence and biophysical properties (such as structural, functional, and spatial information, amino acid conservation, physicochemical variation, residue mobility, and thermodynamic stability) performed at Invitae indicates that this missense variant is not expected to disrupt DCTN1 protein function. This variant has not been reported in the literature in individuals affected with DCTN1-related conditions. This variant is present in population databases (no rsID available, gnomAD 0.007%). This sequence change replaces glutamic acid, which is acidic and polar, with aspartic acid, which is acidic and polar, at codon 634 of the DCTN1 protein (p.Glu634Asp).

NM_004082.5(DCTN1):c.1902G>T (p.Glu634Asp)

Gene: DCTN1 (dynactin subunit 1; minus strand). Cytogenetic location: 2p13.1.
Variant type: single nucleotide variant.
Coding change: c.1902G>T on transcript NM_004082.5 (MANE Select); coding-DNA position 1902, G replaced by T.
Protein change: p.Glu634Asp; replaces glutamic acid 634 with aspartic acid.
Molecular consequence: missense variant. On other transcripts: non-coding transcript variant (1).
Genome position (GRCh38, 1-based): chr2:74,368,084, C>A on the plus strand (G>T on the coding strand, the complement: DCTN1 is on the minus strand). VCF-style: chr2-74368084-C-A. GRCh37 (hg19) VCF-style: chr2-74595211-C-A.
Other names: c.1842G>T, p.Glu614Asp (NM_001135040.3); c.1500G>T, p.Glu500Asp (NM_001135041.3, NM_023019.4); c.1791G>T, p.Glu597Asp (NM_001190836.2); c.1881G>T, p.Glu627Asp (NM_001190837.2); c.1851G>T, p.Glu617Asp (NM_001378991.1); c.1833G>T, p.Glu611Asp (NM_001378992.1); short protein forms E500D, E597D, E627D, E611D, E617D, E614D, E634D.
Identifiers: ClinVar variation 2931441 (VCV002931441.3), dbSNP rs1365131732, ClinGen allele CA347352460.